The following is an entry in ClinVar:

ClinVar aggregate classification (germline): Uncertain significance (1 of 4 stars; one submission).

Conditions:
Familial cold autoinflammatory syndrome 4 (FCAS4). Identifiers: Orphanet 47045, Orphanet 576349, MedGen C4015276, MONDO:0014498, OMIM 616115.
Periodic fever-infantile enterocolitis-autoinflammatory syndrome. Also called: Autoinflammation with infantile enterocolitis. Identifiers: Orphanet 436166, MedGen C4015067, MONDO:0014472, OMIM 616050.

Submission:

Labcorp Genetics (formerly Invitae), Labcorp
Classification: Uncertain significance for Periodic fever-infantile enterocolitis-autoinflammatory syndrome; Familial cold autoinflammatory syndrome 4. Last evaluated: 2024-10-29. Review status: criteria provided, single submitter. Criteria: Invitae Variant Classification Sherloc (09022015). Collection method: clinical testing. Allele origin: germline.
Comment: This sequence change creates a premature translational stop signal (p.Gln359Asnfs*9) in the NLRC4 gene. It is expected to result in an absent or disrupted protein product. However, the current clinical and genetic evidence is not sufficient to establish whether loss-of-function variants in NLRC4 cause disease. This variant is present in population databases (rs757026903, gnomAD 0.01%). This variant has not been reported in the literature in individuals affected with NLRC4-related conditions. ClinVar contains an entry for this variant (Variation ID: 1007504). In summary, the available evidence is currently insufficient to determine the role of this variant in disease. Therefore, it has been classified as a Variant of Uncertain Significance.

NM_001199138.2(NLRC4):c.1075_1076del (p.Gln359fs)

Gene: NLRC4 (NLR family CARD domain containing 4; minus strand). Cytogenetic location: 2p22.3.
Variant type: Microsatellite.
Coding change: c.1075_1076del on transcript NM_001199138.2 (MANE Select); coding-DNA positions 1075 to 1076, 2 bases deleted (CA; older notation c.1075_1076delCA).
Protein change: p.Gln359fs; shifts the reading frame from glutamine 359.
Molecular consequence: frameshift variant. On other transcripts: intron variant (1).
Genome position (GRCh38, 1-based): chr2:32,250,788-32,250,789, TG deleted on the plus strand (CA on the coding strand, the reverse complement: NLRC4 is on the minus strand); deleting any 2 consecutive bases within chr2:32,250,788-32,250,795 gives the same sequence; the c. name uses the placement nearest the transcript's 3' end. VCF-style (leftmost placement, unchanged base first): chr2-32250787-TTG-T. GRCh37 (hg19) VCF-style: chr2-32475856-TTG-T.
Other names: c.262+1624CA[3] (NM_001302504.1); c.1069_1070CA[3], p.Gln359Asnfs (NM_001199139.2, NM_021209.5); short protein forms Q359fs.
Identifiers: ClinVar variation 1007504 (VCV001007504.6), dbSNP rs757026903, ClinGen allele CA1602047.